The following is an entry in ClinVar:

NM_001113491.2(SEPTIN9):c.76+13155C>G

Gene: SEPTIN9 (septin 9; plus strand). Cytogenetic location: 17q25.3.
Variant type: single nucleotide variant.
Coding change: c.76+13155C>G on transcript NM_001113491.2 (MANE Select); 13155 bases into the intron after coding-DNA position 76, C replaced by G.
Molecular consequence: intron variant.
Genome position (GRCh38, 1-based): chr17:77,320,352, C>G. VCF-style: chr17-77320352-C-G. GRCh37 (hg19) VCF-style: chr17-75316434-C-G.
Other names: c.19+38798C>G (NM_001293695.2); c.-417+13155C>G (NM_001113492.2); c.22+4C>G (NM_006640.5).
Identifiers: ClinVar variation 3698428 (VCV003698428.2).
Genomic context (GRCh38, chr17:77,320,352, plus strand): 5'-CGGGACTCCCGCCGCTGCTAAATATATCCGTAGGAATGGAGAGGGACCGGATCTCAGGTA[C>G]GCAGACAGCCCCCTCCCCATCGGCCGCCCCCCACTGCCCTGGACTCGGGGCTTTATTTAT-3'

ClinVar aggregate classification (germline): Uncertain significance (1 of 4 stars; one submission).

gnomAD v4.1: 6 of 1,612,006 alleles (0.00037%); highest among the groups gnomAD compares: African/African-American, 0.0013%; no homozygotes.

Submission:

Labcorp Genetics (formerly Invitae), Labcorp
Classification: Uncertain significance. Last evaluated: 2024-09-29. Review status: criteria provided, single submitter. Criteria: Invitae Variant Classification Sherloc (09022015). Collection method: clinical testing. Allele origin: germline.
Comment: This sequence change falls in intron 1 of the SEPT9 gene. It does not directly change the encoded amino acid sequence of the SEPT9 protein. It affects a nucleotide within the consensus splice site. This variant is present in population databases (rs772150189, gnomAD 0.003%). This variant has not been reported in the literature in individuals affected with SEPT9-related conditions. Variants that disrupt the consensus splice site are a relatively common cause of aberrant splicing (PMID: 17576681, 9536098). Algorithms developed to predict the effect of sequence changes on RNA splicing suggest that this variant is not likely to affect RNA splicing. In summary, the available evidence is currently insufficient to determine the role of this variant in disease. Therefore, it has been classified as a Variant of Uncertain Significance.

Literature cited by the submitters: PubMed 17576681; PubMed 9536098.